The following is an entry in ClinVar:

ClinVar aggregate classification (germline): Uncertain significance. Review status: criteria provided, multiple submitters, no conflicts (2 of 4 stars). 2 submissions from 2 submitters: Uncertain significance (2). Last evaluated 2021-11-16.

Conditions:
Charcot-Marie-Tooth disease dominant intermediate B (CMTDIB). Also called: CHARCOT-MARIE-TOOTH NEUROPATHY, DOMINANT INTERMEDIATE B; Charcot-Marie-Tooth disease dominant intermediate 1; CMT DI1; Charcot-Marie-Tooth disease dominant intermediate I. Identifiers: Orphanet 100044, Orphanet 228179, MedGen C1847902, MONDO:0011674, OMIM 606482.

Allele frequency attached by ClinVar (database versions not stated): gnomAD exomes below 0.00001.
gnomAD v4.1: 4 of 1,614,142 alleles (0.00025%); highest among the groups gnomAD compares: South Asian, 0.0033%; no homozygotes.

Submissions (2):

Labcorp Genetics (formerly Invitae), Labcorp
Classification: Uncertain significance for Charcot-Marie-Tooth disease dominant intermediate B. Last evaluated: 2021-11-16. Review status: criteria provided, single submitter. Criteria: Invitae Variant Classification Sherloc (09022015). Collection method: clinical testing. Allele origin: germline.
Comment: In summary, the available evidence is currently insufficient to determine the role of this variant in disease. Therefore, it has been classified as a Variant of Uncertain Significance. Advanced modeling of protein sequence and biophysical properties (such as structural, functional, and spatial information, amino acid conservation, physicochemical variation, residue mobility, and thermodynamic stability) performed at Invitae indicates that this missense variant is expected to disrupt DNM2 protein function. This variant has not been reported in the literature in individuals affected with DNM2-related conditions. This variant is present in population databases (no rsID available, gnomAD 0.003%). This sequence change replaces cysteine, which is neutral and slightly polar, with arginine, which is basic and polar, at codon 427 of the DNM2 protein (p.Cys427Arg).

Revvity Omics, Revvity
Classification: Uncertain significance. Last evaluated: 2020-12-17. Review status: criteria provided, single submitter. Criteria: ACMG Guidelines, 2015. Collection method: clinical testing. Allele origin: germline.

NM_001005361.3(DNM2):c.1196+704T>C

Gene: DNM2 (dynamin 2; plus strand). Cytogenetic location: 19p13.2.
Variant type: single nucleotide variant.
Coding change: c.1196+704T>C on transcript NM_001005361.3 (MANE Select); 704 bases into the intron after coding-DNA position 1196, T replaced by C.
Molecular consequence: intron variant. On other transcripts: missense variant (3).
Genome position (GRCh38, 1-based): chr19:10,796,143, T>C. VCF-style: chr19-10796143-T-C. GRCh37 (hg19) VCF-style: chr19-10906819-T-C.
Other names: c.1279T>C, p.Cys427Arg (NM_001005360.3, NM_001190716.2, NM_004945.4); c.1196+704T>C (NM_001005362.3); c.1279T>C (NM_001005360.2); short protein forms C427R.
Identifiers: ClinVar variation 1485513 (VCV001485513.8), dbSNP rs1409309807, ClinGen allele CA404048913.